The following is an entry in ClinVar:

ClinVar aggregate classification (germline): Uncertain significance (1 of 4 stars; one submission).

Allele frequency attached by ClinVar (database versions not stated): gnomAD exomes below 0.00001.
gnomAD v4.1: 3 of 1,572,308 alleles (0.00019%); highest among the groups gnomAD compares: African/African-American, 0.0014%; no homozygotes.

Submission:

Labcorp Genetics (formerly Invitae), Labcorp
Classification: Uncertain significance. Last evaluated: 2023-06-15. Review status: criteria provided, single submitter. Criteria: Invitae Variant Classification Sherloc (09022015). Collection method: clinical testing. Allele origin: germline.
Comment: An algorithm developed to predict the effect of missense changes on protein structure and function (PolyPhen-2) suggests that this variant is likely to be disruptive. This variant has not been reported in the literature in individuals affected with DMXL2-related conditions. The frequency data for this variant in the population databases is considered unreliable, as metrics indicate poor data quality at this position in the gnomAD database. This sequence change replaces asparagine, which is neutral and polar, with serine, which is neutral and polar, at codon 115 of the DMXL2 protein (p.Asn115Ser). In summary, the available evidence is currently insufficient to determine the role of this variant in disease. Therefore, it has been classified as a Variant of Uncertain Significance.

NM_001378457.1(DMXL2):c.344A>G (p.Asn115Ser)

Gene: DMXL2 (Dmx like 2; minus strand). Cytogenetic location: 15q21.2.
Variant type: single nucleotide variant.
Coding change: c.344A>G on transcript NM_001378457.1 (MANE Select); coding-DNA position 344, A replaced by G.
Protein change: p.Asn115Ser; replaces asparagine 115 with serine.
Molecular consequence: missense variant. On other transcripts: non-coding transcript variant (2).
Genome position (GRCh38, 1-based): chr15:51,565,108, T>C on the plus strand (A>G on the coding strand, the complement: DMXL2 is on the minus strand). VCF-style: chr15-51565108-T-C. GRCh37 (hg19) VCF-style: chr15-51857305-T-C.
Other names: c.344A>G, p.Asn115Ser (NM_001174116.3, NM_001174117.3, NM_001378458.1 and 7 more transcripts); short protein forms N115S.
Identifiers: ClinVar variation 3014722 (VCV003014722.3), dbSNP rs144103939, ClinGen allele CA392756800.